The following is an entry in ClinVar:

NM_003361.4(UMOD):c.1578-8C>A

Gene: UMOD (uromodulin; minus strand). Cytogenetic location: 16p12.3.
Variant type: single nucleotide variant.
Coding change: c.1578-8C>A on transcript NM_003361.4 (MANE Select); 8 bases into the intron before coding-DNA position 1578, C replaced by A.
Molecular consequence: intron variant.
Genome position (GRCh38, 1-based): chr16:20,337,461, G>T on the plus strand (C>A on the coding strand, the complement: UMOD is on the minus strand). VCF-style: chr16-20337461-G-T. GRCh37 (hg19) VCF-style: chr16-20348783-G-T.
Other names: c.1578-8C>A (NM_001008389.3, NM_001378232.1, NM_001378233.1); c.1719-8C>A (NM_001378234.1, NM_001378235.1); c.1677-8C>A (NM_001278614.2).
Identifiers: ClinVar variation 1011519 (VCV001011519.8), dbSNP rs772200195, ClinGen allele CA279289105.
Genomic context (GRCh38, chr16:20,337,461, plus strand): 5'-AGGACTCCCCATTCTCCACCACTTGGATAGTTGAGTCTCTAGTGTGTGGGCATCTGGGAG[G>T]GTTACACATCATTTAATGTGGTTGGTTAAATAAAGATTCTGGAGTCAGACTTCCTGGATT-3'

ClinVar aggregate classification (germline): Uncertain significance (1 of 4 stars; one submission).

Allele frequency attached by ClinVar (database versions not stated): gnomAD exomes 0.00004.
gnomAD v4.1: 55 of 1,614,118 alleles (0.0034%); highest among the groups gnomAD compares: Non-Finnish European, 0.0046%; no homozygotes.

Submission:

Labcorp Genetics (formerly Invitae), Labcorp
Classification: Uncertain significance. Last evaluated: 2022-02-21. Review status: criteria provided, single submitter. Criteria: Invitae Variant Classification Sherloc (09022015). Collection method: clinical testing. Allele origin: germline.
Comment: This variant has not been reported in the literature in individuals affected with UMOD-related conditions. This variant is not present in population databases (gnomAD no frequency). This sequence change falls in intron 7 of the UMOD gene. It does not directly change the encoded amino acid sequence of the UMOD protein. ClinVar contains an entry for this variant (Variation ID: 1011519). In summary, the available evidence is currently insufficient to determine the role of this variant in disease. Therefore, it has been classified as a Variant of Uncertain Significance. Algorithms developed to predict the effect of sequence changes on RNA splicing suggest that this variant may disrupt the consensus splice site.